The following is an entry in ClinVar:

ClinVar aggregate classification (germline): Uncertain significance (1 of 4 stars; one submission).

Allele frequency attached by ClinVar (database versions not stated): gnomAD exomes below 0.00001; TOPMed below 0.00001.

Submission:

Labcorp Genetics (formerly Invitae), Labcorp
Classification: Uncertain significance. Last evaluated: 2022-08-16. Review status: criteria provided, single submitter. Criteria: Invitae Variant Classification Sherloc (09022015). Collection method: clinical testing. Allele origin: germline.
Comment: This sequence change replaces glycine, which is neutral and non-polar, with valine, which is neutral and non-polar, at codon 249 of the TPP1 protein (p.Gly249Val). The frequency data for this variant in the population databases is considered unreliable, as metrics indicate poor data quality at this position in the gnomAD database. This variant has not been reported in the literature in individuals affected with TPP1-related conditions. ClinVar contains an entry for this variant (Variation ID: 661847). Advanced modeling of protein sequence and biophysical properties (such as structural, functional, and spatial information, amino acid conservation, physicochemical variation, residue mobility, and thermodynamic stability) performed at Invitae indicates that this missense variant is not expected to disrupt TPP1 protein function. In summary, the available evidence is currently insufficient to determine the role of this variant in disease. Therefore, it has been classified as a Variant of Uncertain Significance.

NM_000391.4(TPP1):c.746G>T (p.Gly249Val)

Gene: TPP1 (tripeptidyl peptidase 1; minus strand). Cytogenetic location: 11p15.4.
Variant type: single nucleotide variant.
Coding change: c.746G>T on transcript NM_000391.4 (MANE Select); coding-DNA position 746, G replaced by T.
Protein change: p.Gly249Val; replaces glycine 249 with valine.
Molecular consequence: missense variant.
Genome position (GRCh38, 1-based): chr11:6,616,801, C>A on the plus strand (G>T on the coding strand, the complement: TPP1 is on the minus strand). VCF-style: chr11-6616801-C-A. GRCh37 (hg19) VCF-style: chr11-6638032-C-A.
Other names: short protein forms G249V.
Identifiers: ClinVar variation 661847 (VCV000661847.6), dbSNP rs1202808351, ClinGen allele CA379475150.
Genomic context (GRCh38, chr11:6,616,801, plus strand): 5'-GCCCGGCCCCGGCCCTGTTGTCCAACCACACGGGCTACTGATGCCTGATGTGCAAAGTTG[C>A]CACCGAAGAGGCGCATGAACTGAGCCAGGTCTGAGTCATGGAAATACTGCTCCAGGAACT-3'
Protein context (NP_000382.3, residues 239-259): DLAQFMRLFG[Gly249Val]NFAHQASVAR